The following is an entry in ClinVar:

ClinVar aggregate classification (germline): Uncertain significance. Review status: criteria provided, single submitter (1 of 4 stars). 2 submissions from 2 submitters: Uncertain significance (1). 1 of the submissions does not count toward it. Last evaluated 2025-04-20.

Conditions:
Inborn genetic diseases. Identifiers: MedGen C0950123, MeSH D030342.
DNAH17-related disorder. Also called: DNAH17-related condition.

Allele frequency attached by ClinVar (database versions not stated): gnomAD exomes 0.00016; ExAC 0.00043; gnomAD 0.00099; TOPMed 0.00107; 1000 Genomes Project 0.00140; 1000 Genomes Project 30x 0.00172; ESP Exome Variant Server 0.00181.
gnomAD v4.1: 382 of 1,613,674 alleles (0.024%); highest among the groups gnomAD compares: African/African-American, 0.36%; 1 homozygote.

Submissions (2):

Ambry Genetics
Classification: Uncertain significance for Inborn genetic diseases. Last evaluated: 2025-04-20. Review status: criteria provided, single submitter. Criteria: Ambry Variant Classification Scheme 2023. Collection method: clinical testing. Allele origin: germline.

PreventionGenetics, part of Exact Sciences
Classification: Likely benign for DNAH17-related condition. Last evaluated: 2019-06-04. Review status: no assertion criteria provided. Collection method: clinical testing. Allele origin: germline. Not counted in ClinVar's aggregate classification.
Comment: This variant is classified as likely benign based on ACMG/AMP sequence variant interpretation guidelines (Richards et al. 2015 PMID: 25741868, with internal and published modifications).

NM_173628.4(DNAH17):c.4976G>A (p.Arg1659Gln)

Genes: DNAH17 (dynein axonemal heavy chain 17; minus strand), DNAH17-AS1 (DNAH17 antisense RNA 1; plus strand). Cytogenetic location: 17q25.3.
Variant type: single nucleotide variant.
Coding change: c.4976G>A on transcript NM_173628.4 (MANE Select); coding-DNA position 4976, G replaced by A.
Protein change: p.Arg1659Gln; replaces arginine 1659 with glutamine.
Molecular consequence: missense variant. On other transcripts: non-coding transcript variant (1).
Genome position (GRCh38, 1-based): chr17:78,502,992, C>T on the plus strand (G>A on the coding strand, the complement: DNAH17 is on the minus strand). VCF-style: chr17-78502992-C-T. GRCh37 (hg19) VCF-style: chr17-76499074-C-T.
Other names: short protein forms R1659Q.
Identifiers: ClinVar variation 2473437 (VCV002473437.5), dbSNP rs201499585, ClinGen allele CA8803500.